The following is an entry in ClinVar:

NM_001387011.1(AMBRA1):c.3579G>T (p.Gln1193His)

Gene: AMBRA1 (autophagy and beclin 1 regulator 1; minus strand). Cytogenetic location: 11p11.2.
Variant type: single nucleotide variant.
Coding change: c.3579G>T on transcript NM_001387011.1 (MANE Select); coding-DNA position 3579, G replaced by T.
Protein change: p.Gln1193His; replaces glutamine 1193 with histidine.
Molecular consequence: missense variant. On other transcripts: non-coding transcript variant (1).
Genome position (GRCh38, 1-based): chr11:46,397,768, C>A on the plus strand (G>T on the coding strand, the complement: AMBRA1 is on the minus strand). VCF-style: chr11-46397768-C-A. GRCh37 (hg19) VCF-style: chr11-46419318-C-A.
Other names: c.3588G>T, p.Gln1196His (NM_001267782.2); c.3222G>T, p.Gln1074His (NM_001267783.2); c.3399G>T, p.Gln1133His (NM_001300731.2); c.3579G>T, p.Gln1193His (NM_001367468.1); c.3042G>T, p.Gln1014His (NM_001367469.1); c.2772G>T, p.Gln924His (NM_001367470.1); c.3309G>T, p.Gln1103His (NM_001367471.1, NM_017749.3); short protein forms Q1196H, Q1103H, Q1133H, Q924H, Q1014H, Q1074H, Q1193H.
Identifiers: ClinVar variation 5001993 (VCV005001993.1).

ClinVar aggregate classification (germline): Uncertain significance (1 of 4 stars; one submission).

Conditions:
AMBRA1-related disorder. Also called: AMBRA1-related condition.

Submission:

PreventionGenetics, part of Exact Sciences
Classification: Uncertain significance for AMBRA1-related condition. Last evaluated: 2025-09-29. Review status: criteria provided, single submitter. Criteria: ACMG Guidelines, 2015. Collection method: clinical testing. Allele origin: germline.
Comment: The AMBRA1 c.3588G>T variant is predicted to result in the amino acid substitution p.Gln1196His. To our knowledge, this variant has not been reported in the literature or in a large population database (gnomAD), indicating this variant is rare. At this time, the clinical significance of this variant is uncertain due to the absence of conclusive functional and genetic evidence.